The following is an entry in ClinVar:

NM_002880.4(RAF1):c.898C>A (p.Leu300Met)

Gene: RAF1 (Raf-1 proto-oncogene, serine/threonine kinase; minus strand). Cytogenetic location: 3p25.2.
Variant type: single nucleotide variant.
Coding change: c.898C>A on transcript NM_002880.4 (MANE Select); coding-DNA position 898, C replaced by A.
Protein change: p.Leu300Met; replaces leucine 300 with methionine.
Molecular consequence: missense variant. On other transcripts: non-coding transcript variant (3).
Genome position (GRCh38, 1-based): chr3:12,600,244, G>T on the plus strand (C>A on the coding strand, the complement: RAF1 is on the minus strand). VCF-style: chr3-12600244-G-T. GRCh37 (hg19) VCF-style: chr3-12641743-G-T.
Other names: c.958C>A, p.Leu320Met (NM_001354689.3); c.898C>A, p.Leu300Met (NM_001354690.3); c.655C>A, p.Leu219Met (NM_001354691.3, NM_001354692.3); c.799C>A, p.Leu267Met (NM_001354693.3); c.715C>A, p.Leu239Met (NM_001354694.3); c.556C>A, p.Leu186Met (NM_001354695.3); short protein forms L186M, L219M, L239M, L267M, L300M, L320M.
Identifiers: ClinVar variation 1334269 (VCV001334269.13), dbSNP rs1183645997, ClinGen allele CA351509244.
Genomic context (GRCh38, chr3:12,600,244, plus strand): 5'-GTGCCCGCTCTCTTTGTGCTGGCACGGGGGTTTTCGGCTGTGACCAGCCTGTTGGGCTCA[G>T]ATTGTTGGGGCTACTGGACAGGGCTGAAGGTGAGGCTTAATAGACAAGACAAACAGAAGC-3'
Protein context (NP_002871.1, residues 290-310): PSALSSSPNN[Leu300Met]SPTGWSQPKT

ClinVar aggregate classification (germline): Uncertain significance. Review status: criteria provided, multiple submitters, no conflicts (2 of 4 stars). 4 submissions from 4 submitters: Uncertain significance (4). Last evaluated 2025-04-09.

Conditions:
RASopathy. Also called: rasopathies; Noonan spectrum disorder. Identifiers: Orphanet 536391, MedGen C5555857, MONDO:0021060.
Noonan syndrome and Noonan-related syndrome. Identifiers: Orphanet 98733, MedGen C5681679, MONDO:0020297.
Cardiovascular phenotype. Identifiers: MedGen CN230736.

Allele frequency attached by ClinVar (database versions not stated): gnomAD exomes below 0.00001; TOPMed below 0.00001; gnomAD 0.00001.
gnomAD v4.1: 16 of 1,614,090 alleles (0.00099%); highest among the groups gnomAD compares: Non-Finnish European, 0.0014%; no homozygotes.

Submissions (4):

Molecular Diagnostic Laboratory for Inherited Cardiovascular Disease, Montreal Heart Institute
Classification: Uncertain significance for Cardiovascular phenotype. Last evaluated: 2025-04-09. Review status: criteria provided, single submitter. Criteria: ACMG Guidelines, 2015. Collection method: clinical testing. Allele origin: germline. Affected: yes.

Ambry Genetics
Classification: Uncertain significance for Cardiovascular phenotype. Last evaluated: 2024-02-26. Review status: criteria provided, single submitter. Criteria: Ambry Variant Classification Scheme 2023. Collection method: clinical testing. Allele origin: germline.
Comment: The p.L300M variant (also known as c.898C>A), located in coding exon 8 of the RAF1 gene, results from a C to A substitution at nucleotide position 898. The leucine at codon 300 is replaced by methionine, an amino acid with highly similar properties. This amino acid position is conserved. In addition, this alteration is predicted to be tolerated by in silico analysis. Based on the available evidence, the clinical significance of this alteration remains unclear.

Labcorp Genetics (formerly Invitae), Labcorp
Classification: Uncertain significance for RASopathy. Last evaluated: 2022-11-20. Review status: criteria provided, single submitter. Criteria: Invitae Variant Classification Sherloc (09022015). Collection method: clinical testing. Allele origin: germline.
Comment: This sequence change replaces leucine, which is neutral and non-polar, with methionine, which is neutral and non-polar, at codon 300 of the RAF1 protein (p.Leu300Met). This variant is present in population databases (no rsID available, gnomAD 0.0009%). In summary, the available evidence is currently insufficient to determine the role of this variant in disease. Therefore, it has been classified as a Variant of Uncertain Significance. Advanced modeling of protein sequence and biophysical properties (such as structural, functional, and spatial information, amino acid conservation, physicochemical variation, residue mobility, and thermodynamic stability) performed at Invitae indicates that this missense variant is not expected to disrupt RAF1 protein function. ClinVar contains an entry for this variant (Variation ID: 1334269). This variant has not been reported in the literature in individuals affected with RAF1-related conditions.

Genome Diagnostics Laboratory, The Hospital for Sick Children
Classification: Uncertain significance for Noonan syndrome and Noonan-related syndrome. Last evaluated: 2016-12-12. Review status: criteria provided, single submitter. Criteria: ACMG Guidelines, 2015. Collection method: clinical testing. Allele origin: germline.